The following is an entry in ClinVar:

ClinVar aggregate classification (germline): Conflicting classifications of pathogenicity. Review status: criteria provided, conflicting classifications (1 of 4 stars). 8 submissions from 8 submitters: Uncertain significance (1); Benign (1); Likely benign (5). 1 of the submissions does not count toward it. Last evaluated 2026-01-26.

Conditions:
SPG11-related disorder. Also called: SPG11-related condition.
Hereditary spastic paraplegia 11. Also called: SPASTIC PARAPLEGIA, AUTOSOMAL RECESSIVE, COMPLICATED, WITH THIN CORPUS CALLOSUM; SPASTIC PARAPLEGIA, AUTOSOMAL RECESSIVE, WITH MENTAL IMPAIRMENT AND THIN CORPUS CALLOSUM; Spastic Paraplegia 11; Nakamura Osame syndrome; Autosomal recessive hereditary spastic paraplegia, mental impairment, and thin corpus callosum; Spastic paraplegia, mental retardation and thin corpus callosum. Identifiers: Orphanet 2822, MedGen C1858479, MONDO:0011445, OMIM 604360.

Allele frequency attached by ClinVar (database versions not stated): 1000 Genomes Project 30x 0.00047; 1000 Genomes Project 0.00060; TOPMed 0.00028; gnomAD exomes 0.00032; ESP Exome Variant Server 0.00008; ExAC 0.00034; gnomAD 0.00045.
gnomAD v4.1: 857 of 1,612,900 alleles (0.053%); highest among the groups gnomAD compares: Non-Finnish European, 0.063%; 1 homozygote.

Submissions (8):

Labcorp Genetics (formerly Invitae), Labcorp
Classification: Likely benign for Hereditary spastic paraplegia 11. Last evaluated: 2026-01-26. Review status: criteria provided, single submitter. Criteria: Invitae Variant Classification Sherloc (09022015). Collection method: clinical testing. Allele origin: germline.

Mayo Clinic Laboratories, Mayo Clinic
Classification: Likely benign. Last evaluated: 2025-08-04. Review status: criteria provided, single submitter. Criteria: ACMG Guidelines, 2015. Collection method: clinical testing. Allele origin: germline. Observed: 12 variant alleles.
Comment: BS1, BP4, BP7

Blueprint Genetics
Classification: Likely benign. Last evaluated: 2024-10-01. Review status: criteria provided, single submitter. Criteria: ACMG Guidelines, 2015. Collection method: clinical testing. Allele origin: germline.

CeGaT Center for Human Genetics Tuebingen
Classification: Likely benign. Last evaluated: 2021-11-01. Review status: criteria provided, single submitter. Criteria: CeGaT Center For Human Genetics Tuebingen Variant Classification Criteria Version 2. Collection method: clinical testing. Allele origin: germline. Affected: yes. Observed: 1 variant allele.

Athena Diagnostics
Classification: Benign. Last evaluated: 2021-03-22. Review status: criteria provided, single submitter. Criteria: Athena Diagnostics criteria. Collection method: clinical testing. Allele origin: unknown.

GeneDx
Classification: Likely benign. Last evaluated: 2019-05-30. Review status: criteria provided, single submitter. Criteria: GeneDx Variant Classification Process June 2021. Collection method: clinical testing. Allele origin: germline. Affected: yes.

Illumina Laboratory Services, Illumina
Classification: Uncertain significance for Hereditary spastic paraplegia 11. Last evaluated: 2018-01-13. Review status: criteria provided, single submitter. Criteria: ICSL Variant Classification Criteria 13 December 2019. Collection method: clinical testing. Allele origin: germline.

PreventionGenetics, part of Exact Sciences
Classification: Likely benign for SPG11-related condition. Last evaluated: 2024-02-22. Review status: no assertion criteria provided. Collection method: clinical testing. Allele origin: germline. Not counted in ClinVar's aggregate classification.
Comment: This variant is classified as likely benign based on ACMG/AMP sequence variant interpretation guidelines (Richards et al. 2015 PMID: 25741868, with internal and published modifications).

NM_025137.4(SPG11):c.1605C>T (p.Ala535=)

Gene: SPG11 (SPG11 vesicle trafficking associated, spatacsin; minus strand). Cytogenetic location: 15q21.1.
Variant type: single nucleotide variant.
Coding change: c.1605C>T on transcript NM_025137.4 (MANE Select); coding-DNA position 1605, C replaced by T.
Protein change: p.Ala535=; no amino-acid change (alanine 535 retained).
Molecular consequence: synonymous variant.
Genome position (GRCh38, 1-based): chr15:44,633,635, G>A on the plus strand (C>T on the coding strand, the complement: SPG11 is on the minus strand). VCF-style: chr15-44633635-G-A. GRCh37 (hg19) VCF-style: chr15-44925833-G-A.
Other names: p.Ala535=; c.1605C>T, p.Ala535= (NM_001160227.2).
Identifiers: ClinVar variation 466506 (VCV000466506.55), dbSNP rs117683234, ClinGen allele CA7535491.